The following is an entry in ClinVar:

NM_001080449.3(DNA2):c.955C>A (p.Leu319Ile)

Gene: DNA2 (DNA replication helicase/nuclease 2; minus strand). Cytogenetic location: 10q21.3.
Variant type: single nucleotide variant.
Coding change: c.955C>A on transcript NM_001080449.3 (MANE Select); coding-DNA position 955, C replaced by A.
Protein change: p.Leu319Ile; replaces leucine 319 with isoleucine.
Molecular consequence: missense variant. On other transcripts: non-coding transcript variant (1).
Genome position (GRCh38, 1-based): chr10:68,446,398, G>T on the plus strand (C>A on the coding strand, the complement: DNA2 is on the minus strand). VCF-style: chr10-68446398-G-T. GRCh37 (hg19) VCF-style: chr10-70206155-G-T.
Other names: c.955C>A (NM_001080449.2); short protein forms L319I.
Identifiers: ClinVar variation 2959308 (VCV002959308.5), dbSNP rs369112712, ClinGen allele CA5525170.

ClinVar aggregate classification (germline): Uncertain significance. Review status: criteria provided, multiple submitters, no conflicts (2 of 4 stars). 3 submissions from 3 submitters: Uncertain significance (3). Last evaluated 2025-03-31.

Conditions:
Inborn genetic diseases. Identifiers: MedGen C0950123, MeSH D030342.

Allele frequency attached by ClinVar (database versions not stated): TOPMed 0.00010; ExAC 0.00014; gnomAD 0.00013; ESP Exome Variant Server 0.00017.
gnomAD v4.1: 29 of 1,586,098 alleles (0.0018%); highest among the groups gnomAD compares: African/African-American, 0.039%; no homozygotes.

Submissions (3):

Labcorp Genetics (formerly Invitae), Labcorp
Classification: Uncertain significance. Last evaluated: 2025-03-31. Review status: criteria provided, single submitter. Criteria: Invitae Variant Classification Sherloc (09022015). Collection method: clinical testing. Allele origin: germline.
Comment: This sequence change replaces leucine, which is neutral and non-polar, with isoleucine, which is neutral and non-polar, at codon 319 of the DNA2 protein (p.Leu319Ile). The frequency data for this variant in the population databases is considered unreliable, as metrics indicate poor data quality at this position in the gnomAD database. This variant has not been reported in the literature in individuals affected with DNA2-related conditions. ClinVar contains an entry for this variant (Variation ID: 2959308). Invitae Evidence Modeling of protein sequence and biophysical properties (such as structural, functional, and spatial information, amino acid conservation, physicochemical variation, residue mobility, and thermodynamic stability) indicates that this missense variant is expected to disrupt DNA2 protein function with a positive predictive value of 80%. Algorithms developed to predict the effect of sequence changes on RNA splicing suggest that this variant may disrupt the consensus splice site. In summary, the available evidence is currently insufficient to determine the role of this variant in disease. Therefore, it has been classified as a Variant of Uncertain Significance.

Ambry Genetics
Classification: Uncertain significance for Inborn genetic diseases. Last evaluated: 2024-03-20. Review status: criteria provided, single submitter. Criteria: Ambry Variant Classification Scheme 2023. Collection method: clinical testing. Allele origin: germline.

GeneDx
Classification: Uncertain significance. Last evaluated: 2023-12-20. Review status: criteria provided, single submitter. Criteria: GeneDx Variant Classification Process June 2021. Collection method: clinical testing. Allele origin: germline. Affected: yes.
Comment: In silico analysis supports that this missense variant does not alter protein structure/function; Has not been previously published as pathogenic or benign to our knowledge